The following is an entry in ClinVar:

ClinVar aggregate classification (germline): Uncertain significance. Review status: criteria provided, multiple submitters, no conflicts (2 of 4 stars). 3 submissions from 3 submitters: Uncertain significance (3). Last evaluated 2024-05-14.

Conditions:
Familial hypercholesterolemia. Also called: Familial hypercholesterolemias; Familial hypercholesterolaemia. Identifiers: MedGen C0020445, MONDO:0005439.
Cardiovascular phenotype. Identifiers: MedGen CN230736.
Hypercholesterolemia, autosomal dominant, 3 (FHCL3). Also called: Familial Hypercholesterolemia, Autosomal Dominant, 3; PCSK9-Related Familial Hypercholesterolemia, Autosomal Dominant; Familial hypercholesterolemia 3. Identifiers: MedGen C1863551, MONDO:0011369, OMIM 603776.

Allele frequency attached by ClinVar (database versions not stated): gnomAD exomes below 0.00001; TOPMed below 0.00001; gnomAD 0.00001.
gnomAD v4.1: 3 of 1,580,392 alleles (0.00019%); highest among the groups gnomAD compares: Non-Finnish European, 0.00026%; no homozygotes.

Submissions (3):

All of Us Research Program, National Institutes of Health
Classification: Uncertain significance for Hypercholesterolemia, autosomal dominant, 3. Last evaluated: 2024-05-14. Review status: criteria provided, single submitter. Criteria: ACMG Guidelines, 2015. Collection method: clinical testing. Allele origin: germline. Inheritance: Autosomal dominant inheritance. Observed: 2 variant alleles, 2 heterozygotes.
Comment: This missense variant replaces leucine with proline at codon 52 of the PCSK9 protein. Computational prediction suggests that this variant may not impact protein structure and function (internally defined REVEL score threshold <= 0.5, PMID: 27666373). To our knowledge, functional studies have not been reported for this variant. This variant has not been reported in individuals affected with familial hypercholesterolemia in the literature. This variant has not been identified in the general population by the Genome Aggregation Database (gnomAD). The available evidence is insufficient to determine the role of this variant in disease conclusively. Therefore, this variant is classified as a Variant of Uncertain Significance.

This study involves interpretation of variants in research participants for the purpose of population health screening. Participant phenotype was not available at the time of variant classification. Additional details can be found in publication PMID: 35346344, PMCID: PMC8962531

Color Diagnostics, LLC DBA Color Health
Classification: Uncertain significance for Familial hypercholesterolemia. Last evaluated: 2024-03-07. Review status: criteria provided, single submitter. Criteria: ACMG Guidelines, 2015. Collection method: clinical testing. Allele origin: germline.
Comment: This missense variant replaces leucine with proline at codon 52 of the PCSK9 protein. Computational prediction suggests that this variant may not impact protein structure and function (internally defined REVEL score threshold <= 0.5, PMID: 27666373). To our knowledge, functional studies have not been reported for this variant. This variant has not been reported in individuals affected with familial hypercholesterolemia in the literature. This variant has not been identified in the general population by the Genome Aggregation Database (gnomAD). The available evidence is insufficient to determine the role of this variant in disease conclusively. Therefore, this variant is classified as a Variant of Uncertain Significance.

Ambry Genetics
Classification: Uncertain significance for Cardiovascular phenotype. Last evaluated: 2015-01-09. Review status: criteria provided, single submitter. Criteria: Ambry Variant Classification Scheme 2023. Collection method: clinical testing. Allele origin: germline.
Comment: The p.L52P variant (also known as c.155T>C), located in coding exon 1 of the PCSK9 gene, results from a T to C substitution at nucleotide position 155. The leucine at codon 52 is replaced by proline, an amino acid with similar properties. This variant was not reported in population based cohorts in the following databases: Database of Single Nucleotide Polymorphisms (dbSNP), NHLBI Exome Sequencing Project (ESP), and 1000 Genomes Project. In the ESP, this variant was not observed in 6457 samples (12914 alleles) with coverage at this position. This amino acid position is poorly conserved and proline is also the reference amino acid in multiple available vertebrate species. Using the BDGP and ESEfinder splice site prediction tools, this alteration is not predicted to have any significant effect on this acceptor/donor splice site; however, direct evidence is unavailable. In addition, this alteration is predicted to be tolerated by in silico analysis. Since supporting evidence is limited at this time, the clinical significance of this variant remains unclear.

NM_174936.4(PCSK9):c.155T>C (p.Leu52Pro)

Gene: PCSK9 (proprotein convertase subtilisin/kexin type 9; plus strand). Cytogenetic location: 1p32.3.
Variant type: single nucleotide variant.
Coding change: c.155T>C on transcript NM_174936.4 (MANE Select); coding-DNA position 155, T replaced by C.
Protein change: p.Leu52Pro; replaces leucine 52 with proline.
Molecular consequence: missense variant.
Genome position (GRCh38, 1-based): chr1:55,039,992, T>C. VCF-style: chr1-55039992-T-C. GRCh37 (hg19) VCF-style: chr1-55505665-T-C.
Other names: c.155T>C, p.Leu52Pro (NM_001407240.1, NM_001407241.1, NM_001407242.1 and 4 more transcripts); c.-580T>C (NM_001407246.1); short protein forms L52P.
Identifiers: ClinVar variation 1775235 (VCV001775235.6), dbSNP rs1488157123, ClinGen allele CA340482885.